The following is an entry in ClinVar:

NM_001134831.2(AHI1):c.1330A>G (p.Ile444Val)

Gene: AHI1 (Abelson helper integration site 1; minus strand). Cytogenetic location: 6q23.3.
Variant type: single nucleotide variant.
Coding change: c.1330A>G on transcript NM_001134831.2 (MANE Select); coding-DNA position 1330, A replaced by G.
Protein change: p.Ile444Val; replaces isoleucine 444 with valine.
Molecular consequence: missense variant.
Genome position (GRCh38, 1-based): chr6:135,455,748, T>C on the plus strand (A>G on the coding strand, the complement: AHI1 is on the minus strand). VCF-style: chr6-135455748-T-C. GRCh37 (hg19) VCF-style: chr6-135776886-T-C.
Other names: c.1330A>G, p.Ile444Val (NM_001134830.2, NM_001134832.2, NM_001350503.2 and 2 more transcripts); short protein forms I444V.
Identifiers: ClinVar variation 1001723 (VCV001001723.9), dbSNP rs577887220, ClinGen allele CA148141576.

ClinVar aggregate classification (germline): Uncertain significance (1 of 4 stars; one submission).

Conditions:
Joubert syndrome. Also called: Familial aplasia of the vermis; CEREBELLOPARENCHYMAL DISORDER IV; JOUBERT-BOLTSHAUSER SYNDROME. Identifiers: Orphanet 475, MedGen C5979921, MONDO:0018772.

Allele frequency attached by ClinVar (database versions not stated): gnomAD 0.00001; 1000 Genomes Project 0.00020; 1000 Genomes Project 30x 0.00031.
gnomAD v4.1: 1 of 1,594,064 alleles (0.000063%); highest among the groups gnomAD compares: Non-Finnish European, 0.000086%; no homozygotes.

Submission:

Labcorp Genetics (formerly Invitae), Labcorp
Classification: Uncertain significance for Joubert syndrome. Last evaluated: 2024-02-24. Review status: criteria provided, single submitter. Criteria: Invitae Variant Classification Sherloc (09022015). Collection method: clinical testing. Allele origin: germline.
Comment: This sequence change replaces isoleucine, which is neutral and non-polar, with valine, which is neutral and non-polar, at codon 444 of the AHI1 protein (p.Ile444Val). This variant is not present in population databases (gnomAD no frequency). This variant has not been reported in the literature in individuals affected with AHI1-related conditions. ClinVar contains an entry for this variant (Variation ID: 1001723). Advanced modeling of protein sequence and biophysical properties (such as structural, functional, and spatial information, amino acid conservation, physicochemical variation, residue mobility, and thermodynamic stability) performed at Invitae indicates that this missense variant is not expected to disrupt AHI1 protein function with a negative predictive value of 95%. In summary, the available evidence is currently insufficient to determine the role of this variant in disease. Therefore, it has been classified as a Variant of Uncertain Significance.